The following is an entry in ClinVar:

NM_001378457.1(DMXL2):c.985G>A (p.Val329Ile)

Gene: DMXL2 (Dmx like 2; minus strand). Cytogenetic location: 15q21.2.
Variant type: single nucleotide variant.
Coding change: c.985G>A on transcript NM_001378457.1 (MANE Select); coding-DNA position 985, G replaced by A.
Protein change: p.Val329Ile; replaces valine 329 with isoleucine.
Molecular consequence: missense variant. On other transcripts: non-coding transcript variant (2).
Genome position (GRCh38, 1-based): chr15:51,542,453, C>T on the plus strand (G>A on the coding strand, the complement: DMXL2 is on the minus strand). VCF-style: chr15-51542453-C-T. GRCh37 (hg19) VCF-style: chr15-51834650-C-T.
Other names: c.985G>A, p.Val329Ile (NM_001174116.3, NM_001174117.3, NM_001378458.1 and 7 more transcripts); short protein forms V329I.
Identifiers: ClinVar variation 1908275 (VCV001908275.5), dbSNP rs765011703, ClinGen allele CA7562693.
Genomic context (GRCh38, chr15:51,542,453, plus strand): 5'-AAATGTGTCTTTGAACTTCATGCATTGCTGTCTGGTCGGGCATTAATTCAGCATGAGTTA[C>T]AAGAACAGATGACCTCCTCTGTCCTTTCCTTAAATTTTTCAAATGGTGTATTGTCTAAAA-3'
Protein context (NP_001365386.1, residues 319-339): RKGQRRSSVL[Val329Ile]THAELMPDQT

ClinVar aggregate classification (germline): Uncertain significance (1 of 4 stars; one submission).

Allele frequency attached by ClinVar (database versions not stated): ExAC 0.00003.
gnomAD v4.1: 12 of 1,613,772 alleles (0.00074%); highest among the groups gnomAD compares: East Asian, 0.025%; no homozygotes.

Submission:

Labcorp Genetics (formerly Invitae), Labcorp
Classification: Uncertain significance. Last evaluated: 2022-01-03. Review status: criteria provided, single submitter. Criteria: Invitae Variant Classification Sherloc (09022015). Collection method: clinical testing. Allele origin: germline.
Comment: This sequence change replaces valine, which is neutral and non-polar, with isoleucine, which is neutral and non-polar, at codon 329 of the DMXL2 protein (p.Val329Ile). This variant is present in population databases (rs765011703, gnomAD 0.03%). This variant has not been reported in the literature in individuals affected with DMXL2-related conditions. Algorithms developed to predict the effect of missense changes on protein structure and function (SIFT, PolyPhen-2, Align-GVGD) all suggest that this variant is likely to be tolerated. In summary, the available evidence is currently insufficient to determine the role of this variant in disease. Therefore, it has been classified as a Variant of Uncertain Significance.